The following is an entry in ClinVar:

NM_006516.4(SLC2A1):c.1278+13del

Gene: SLC2A1 (solute carrier family 2 member 1; minus strand). Cytogenetic location: 1p34.2.
Variant type: Deletion.
Coding change: c.1278+13del on transcript NM_006516.4 (MANE Select); 13 bases into the intron after coding-DNA position 1278, one base deleted (A; older notation c.1278+13delA).
Molecular consequence: intron variant.
Genome position (GRCh38, 1-based): chr1:42,927,592, T deleted on the plus strand (A on the coding strand, the reverse complement: SLC2A1 is on the minus strand). VCF-style (leftmost placement, unchanged base first): chr1-42927591-GT-G. GRCh37 (hg19) VCF-style: chr1-43393262-GT-G.
Identifiers: ClinVar variation 420821 (VCV000420821.1), dbSNP rs1064794723, ClinGen allele CA16617143.
Genomic context (GRCh38, chr1:42,927,591, plus strand): 5'-TGCTGGGCCAGCACTTTGCACAGCACTGTGGGGTCATGCGTGCGGGTGAGTATAGAGACA[GT>G]GGGGGTTCTCACCTCCACATACTGGAAGCACATGCCCACAATGAAATTTGAGGTCCAGTT-3'

ClinVar aggregate classification (germline): Likely benign (1 of 4 stars; one submission).

Submission:

GeneDx
Classification: Likely benign. Last evaluated: 2016-04-07. Review status: criteria provided, single submitter. Criteria: GeneDx Variant Classification (06012015). Collection method: clinical testing. Allele origin: germline. Affected: yes.
Comment: This variant is considered likely benign or benign based on one or more of the following criteria: it is a conservative change, it occurs at a poorly conserved position in the protein, it is predicted to be benign by multiple in silico algorithms, and/or has population frequency not consistent with disease.